The following is an entry in ClinVar:

ClinVar aggregate classification (germline): Uncertain significance (1 of 4 stars; one submission).

Allele frequency attached by ClinVar (database versions not stated): TOPMed below 0.00001; gnomAD exomes below 0.00001.

Submission:

GeneDx
Classification: Uncertain significance. Last evaluated: 2022-05-18. Review status: criteria provided, single submitter. Criteria: GeneDx Variant Classification Process June 2021. Collection method: clinical testing. Allele origin: germline. Affected: yes.
Comment: Not observed at significant frequency in large population cohorts (gnomAD); In silico analysis supports that this missense variant has a deleterious effect on protein structure/function; Has not been previously published as pathogenic or benign to our knowledge

NM_001846.4(COL4A2):c.3491G>C (p.Gly1164Ala)

Gene: COL4A2 (collagen type IV alpha 2 chain; plus strand). Cytogenetic location: 13q34.
Variant type: single nucleotide variant.
Coding change: c.3491G>C on transcript NM_001846.4 (MANE Select); coding-DNA position 3491, G replaced by C.
Protein change: p.Gly1164Ala; replaces glycine 1164 with alanine.
Molecular consequence: missense variant.
Genome position (GRCh38, 1-based): chr13:110,492,106, G>C. VCF-style: chr13-110492106-G-C. GRCh37 (hg19) VCF-style: chr13-111144453-G-C.
Other names: short protein forms G1164A.
Identifiers: ClinVar variation 1800535 (VCV001800535.1), dbSNP rs1883304040, ClinGen allele CA388732289.